The following is an entry in ClinVar:

ClinVar aggregate classification (germline): Uncertain significance (1 of 4 stars; one submission).

Allele frequency attached by ClinVar (database versions not stated): gnomAD exomes 0.00001; TOPMed 0.00003; 1000 Genomes Project 30x 0.00016; 1000 Genomes Project 0.00020; gnomAD 0.00001; ExAC 0.00005.

Submission:

Labcorp Genetics (formerly Invitae), Labcorp
Classification: Uncertain significance. Last evaluated: 2026-01-05. Review status: criteria provided, single submitter. Criteria: Invitae Variant Classification Sherloc (09022015). Collection method: clinical testing. Allele origin: germline.
Comment: This sequence change replaces threonine, which is neutral and polar, with isoleucine, which is neutral and non-polar, at codon 24 of the RPL9 protein (p.Thr24Ile). This variant is present in population databases (rs201850421, gnomAD 0.06%). This variant has not been reported in the literature in individuals affected with RPL9-related conditions. ClinVar contains an entry for this variant (Variation ID: 2884671). An algorithm developed to predict the effect of missense changes on protein structure and function (PolyPhen-2) suggests that this variant is likely to be tolerated. In summary, the available evidence is currently insufficient to determine the role of this variant in disease. Therefore, it has been classified as a Variant of Uncertain Significance.

NM_000661.5(RPL9):c.71C>T (p.Thr24Ile)

Gene: RPL9 (ribosomal protein L9; minus strand). Cytogenetic location: 4p14.
Variant type: single nucleotide variant.
Coding change: c.71C>T on transcript NM_000661.5 (MANE Select); coding-DNA position 71, C replaced by T.
Protein change: p.Thr24Ile; replaces threonine 24 with isoleucine.
Molecular consequence: missense variant.
Genome position (GRCh38, 1-based): chr4:39,458,285, G>A on the plus strand (C>T on the coding strand, the complement: RPL9 is on the minus strand). VCF-style: chr4-39458285-G-A. GRCh37 (hg19) VCF-style: chr4-39459905-G-A.
Other names: c.71C>T, p.Thr24Ile (NM_001024921.4); short protein forms T24I.
Identifiers: ClinVar variation 2884671 (VCV002884671.3), dbSNP rs201850421, ClinGen allele CA2894398.